The following is an entry in ClinVar:

ClinVar aggregate classification (germline): Uncertain significance (1 of 4 stars; one submission).

Conditions:
Ehlers-Danlos syndrome, classic type, 1 (EDSCL1). Also called: EHLERS-DANLOS SYNDROME, GRAVIS TYPE; EHLERS-DANLOS SYNDROME, SEVERE CLASSIC TYPE; Ehlers-Danlos syndrome, type 1; Ehlers-Danlos Syndrome, Classic Type, COL5A1-Related; EDS I. Identifiers: MedGen C0268335, MONDO:0019567, OMIM 130000.

gnomAD v4.1: 2 of 1,613,288 alleles (0.00012%); highest among the groups gnomAD compares: Non-Finnish European, 0.000085%; no homozygotes.

Submission:

Labcorp Genetics (formerly Invitae), Labcorp
Classification: Uncertain significance for Ehlers-Danlos syndrome, classic type, 1. Last evaluated: 2025-07-09. Review status: criteria provided, single submitter. Criteria: Invitae Variant Classification Sherloc (09022015). Collection method: clinical testing. Allele origin: germline.
Comment: This sequence change falls in intron 28 of the COL5A1 gene. It does not directly change the encoded amino acid sequence of the COL5A1 protein. It affects a nucleotide within the consensus splice site. This variant is present in population databases (rs772211603, gnomAD 0.002%). This variant has not been reported in the literature in individuals affected with COL5A1-related conditions. Variants that disrupt the consensus splice site are a relatively common cause of aberrant splicing (PMID: 17576681, 9536098). Algorithms developed to predict the effect of sequence changes on RNA splicing suggest that this variant is not likely to affect RNA splicing. In summary, the available evidence is currently insufficient to determine the role of this variant in disease. Therefore, it has been classified as a Variant of Uncertain Significance.

Literature cited by the submitters: PubMed 17576681; PubMed 9536098.

NM_000093.5(COL5A1):c.2430+4A>G

Gene: COL5A1 (collagen type V alpha 1 chain; plus strand). Cytogenetic location: 9q34.3.
Variant type: single nucleotide variant.
Coding change: c.2430+4A>G on transcript NM_000093.5 (MANE Select); 4 bases into the intron after coding-DNA position 2430, A replaced by G.
Molecular consequence: intron variant.
Genome position (GRCh38, 1-based): chr9:134,780,150, A>G. VCF-style: chr9-134780150-A-G. GRCh37 (hg19) VCF-style: chr9-137671996-A-G.
Other names: c.2430+4A>G (NM_001278074.1).
Identifiers: ClinVar variation 4697484 (VCV004697484.1).